The following is an entry in ClinVar:

ClinVar aggregate classification (germline): Pathogenic. Review status: criteria provided, multiple submitters, no conflicts (2 of 4 stars). 2 submissions from 2 submitters: Pathogenic (2). Last evaluated 2026-06-23.

Conditions:
Hereditary cancer-predisposing syndrome. Also called: Tumor predisposition; Hereditary neoplastic syndrome; Neoplastic Syndromes, Hereditary; Hereditary Cancer Syndrome. Identifiers: Orphanet 140162, MedGen C0027672, MeSH D009386, MONDO:0015356.
Cardiovascular phenotype. Identifiers: MedGen CN230736.
Neurofibromatosis, type 1 (NF1). Also called: VON RECKLINGHAUSEN DISEASE; NEUROFIBROMATOSIS, TYPE I, SOMATIC; Peripheral type neurofibromatosis; Neurofibromatosis, type I. Identifiers: Orphanet 636, MedGen C0027831, MONDO:0018975, OMIM 162200. Disease mechanism: loss of function.

Submissions (2):

Ambry Genetics
Classification: Pathogenic for Cardiovascular phenotype; Hereditary cancer-predisposing syndrome. Last evaluated: 2026-06-23. Review status: criteria provided, single submitter. Criteria: Ambry Variant Classification Scheme 2023. Collection method: clinical testing. Allele origin: germline.
Comment: The c.6084+1G>T intronic pathogenic mutation results from a G to T substitution one nucleotide after coding exon 40 of the NF1 gene. This variant was reported in individual(s) with features consistent with neurofibromatosis type 1 (Bianco G et al. Neurol Sci, 2012 Dec;33:1483-5; Ambry internal data). This nucleotide position is highly conserved in available vertebrate species. In silico splice site analysis predicts that this alteration will weaken the native splice donor site and may result in the creation or strengthening of a novel splice donor site. RNA studies have demonstrated that this variant results in abnormal splicing in the set of samples tested (Ambry internal data). This variant is considered to be rare based on population cohorts in the Genome Aggregation Database (gnomAD). Based on the supporting evidence, this variant is interpreted as a disease-causing mutation.

Labcorp Genetics (formerly Invitae), Labcorp
Classification: Pathogenic for Neurofibromatosis, type 1. Last evaluated: 2022-12-23. Review status: criteria provided, single submitter. Criteria: Invitae Variant Classification Sherloc (09022015). Collection method: clinical testing. Allele origin: germline.
Comment: For these reasons, this variant has been classified as Pathogenic. Algorithms developed to predict the effect of sequence changes on RNA splicing suggest that this variant may disrupt the consensus splice site. ClinVar contains an entry for this variant (Variation ID: 851432). Disruption of this splice site has been observed in individuals with neurofibromatosis type 1 (PMID: 22222937; Invitae). This variant is not present in population databases (gnomAD no frequency). This sequence change affects a donor splice site in intron 40 of the NF1 gene. It is expected to disrupt RNA splicing. Variants that disrupt the donor or acceptor splice site typically lead to a loss of protein function (PMID: 16199547), and loss-of-function variants in NF1 are known to be pathogenic (PMID: 10712197, 23913538).

Literature cited by the submitters: PubMed 22222937 (cited by Ambry Genetics and Labcorp Genetics (formerly Invitae), Labcorp); PubMed 16199547 (cited by Labcorp Genetics (formerly Invitae), Labcorp); PubMed 10712197 (cited by Labcorp Genetics (formerly Invitae), Labcorp); PubMed 23913538 (cited by Labcorp Genetics (formerly Invitae), Labcorp).

NM_001042492.3(NF1):c.6147+1G>T

Gene: NF1 (neurofibromin 1; plus strand). Cytogenetic location: 17q11.2.
Variant type: single nucleotide variant.
Coding change: c.6147+1G>T on transcript NM_001042492.3 (MANE Select); the canonical splice donor site of the intron after coding-DNA position 6147, G replaced by T.
Molecular consequence: splice donor variant.
Genome position (GRCh38, 1-based): chr17:31,336,474, G>T. VCF-style: chr17-31336474-G-T. GRCh37 (hg19) VCF-style: chr17-29663492-G-T.
Other names: c.6084+1G>T (NM_000267.4).
Identifiers: ClinVar variation 851432 (VCV000851432.10), dbSNP rs1060500296, ClinGen allele CA399011595.